The following is an entry in ClinVar:

NM_005477.3(HCN4):c.2852G>A (p.Gly951Asp)

Gene: HCN4 (hyperpolarization activated cyclic nucleotide gated potassium channel 4; minus strand). Cytogenetic location: 15q24.1.
Variant type: single nucleotide variant.
Coding change: c.2852G>A on transcript NM_005477.3 (MANE Select); coding-DNA position 2852, G replaced by A.
Protein change: p.Gly951Asp; replaces glycine 951 with aspartic acid.
Molecular consequence: missense variant.
Genome position (GRCh38, 1-based): chr15:73,323,241, C>T on the plus strand (G>A on the coding strand, the complement: HCN4 is on the minus strand). VCF-style: chr15-73323241-C-T. GRCh37 (hg19) VCF-style: chr15-73615582-C-T.
Other names: c.2852G>A (NM_005477.2); short protein forms G951D.
Identifiers: ClinVar variation 1430180 (VCV001430180.8), dbSNP rs2042874743, ClinGen allele CA393087295.

ClinVar aggregate classification (germline): Uncertain significance. Review status: criteria provided, multiple submitters, no conflicts (2 of 4 stars). 2 submissions from 2 submitters: Uncertain significance (2). Last evaluated 2026-08-03.

Conditions:
Cardiovascular phenotype. Identifiers: MedGen CN230736.
Brugada syndrome 8 (BRGDA8). Identifiers: Orphanet 130, MedGen C2751083, MONDO:0013148, OMIM 613123.

Allele frequency attached by ClinVar (database versions not stated): gnomAD 0.00001; TOPMed below 0.00001.

Submissions (2):

Ambry Genetics
Classification: Uncertain significance for Cardiovascular phenotype. Last evaluated: 2026-08-03. Review status: criteria provided, single submitter. Criteria: Ambry Variant Classification Scheme 2023. Collection method: clinical testing. Allele origin: germline.
Comment: The p.G951D variant (also known as c.2852G>A), located in coding exon 8 of the HCN4 gene, results from a G to A substitution at nucleotide position 2852. The glycine at codon 951 is replaced by aspartic acid, an amino acid with similar properties. This amino acid position is conserved. In addition, the in silico prediction for this alteration is inconclusive. Based on the available evidence, the clinical significance of this variant remains unclear.

Labcorp Genetics (formerly Invitae), Labcorp
Classification: Uncertain significance for Brugada syndrome 8. Last evaluated: 2025-09-20. Review status: criteria provided, single submitter. Criteria: Invitae Variant Classification Sherloc (09022015). Collection method: clinical testing. Allele origin: germline.
Comment: This sequence change replaces glycine, which is neutral and non-polar, with aspartic acid, which is acidic and polar, at codon 951 of the HCN4 protein (p.Gly951Asp). This variant is not present in population databases (gnomAD no frequency). This variant has not been reported in the literature in individuals affected with HCN4-related conditions. ClinVar contains an entry for this variant (Variation ID: 1430180). Invitae Evidence Modeling of protein sequence and biophysical properties (such as structural, functional, and spatial information, amino acid conservation, physicochemical variation, residue mobility, and thermodynamic stability) indicates that this missense variant is not expected to disrupt HCN4 protein function with a negative predictive value of 95%. In summary, the available evidence is currently insufficient to determine the role of this variant in disease. Therefore, it has been classified as a Variant of Uncertain Significance.